The following is an entry in ClinVar:

NM_016203.4(PRKAG2):c.1163T>C (p.Ile388Thr)

Gene: PRKAG2 (protein kinase AMP-activated non-catalytic subunit gamma 2; minus strand). Cytogenetic location: 7q36.1.
Variant type: single nucleotide variant.
Coding change: c.1163T>C on transcript NM_016203.4 (MANE Select); coding-DNA position 1163, T replaced by C.
Protein change: p.Ile388Thr; replaces isoleucine 388 with threonine.
Molecular consequence: missense variant.
Genome position (GRCh38, 1-based): chr7:151,568,786, A>G on the plus strand (T>C on the coding strand, the complement: PRKAG2 is on the minus strand). VCF-style: chr7-151568786-A-G. GRCh37 (hg19) VCF-style: chr7-151265872-A-G.
Other names: c.791T>C, p.Ile264Thr (NM_001363698.2, NM_001407028.1); c.1163T>C, p.Ile388Thr (NM_001407021.1); c.1160T>C, p.Ile387Thr (NM_001407022.1, NM_001407023.1); c.1031T>C, p.Ile344Thr (NM_001407024.1, NM_001040633.2); c.1028T>C, p.Ile343Thr (NM_001407026.1, NM_001407027.1); c.788T>C, p.Ile263Thr (NM_001407029.1, NM_001304527.2); c.875T>C, p.Ile292Thr (NM_001407030.1); c.440T>C, p.Ile147Thr (NM_024429.2, NM_001304531.2, NM_001407034.1 and 1 more transcripts); and 6 more; short protein forms I146T, I147T, I163T, I167T, I263T, I264T, I280T, I282T.
Identifiers: ClinVar variation 4757914 (VCV004757914.1).

ClinVar aggregate classification (germline): Uncertain significance (1 of 4 stars; one submission).

Conditions:
Cardiomyopathy (CMYO). Also called: Cardiomyopathies. Identifiers: Orphanet 167848, MedGen C0878544, MONDO:0004994, HP:0001638. Inheritance: Various modes of inheritance.

Submission:

Color Diagnostics, LLC DBA Color Health
Classification: Uncertain significance for Cardiomyopathy. Last evaluated: 2025-08-30. Review status: criteria provided, single submitter. Criteria: ACMG Guidelines, 2015. Collection method: clinical testing. Allele origin: germline.
Comment: This missense variant replaces isoleucine with threonine at codon 388 of the PRKAG2 protein. Computational prediction suggests that this variant may have deleterious impact on protein structure and function. To our knowledge, functional studies have not been reported for this variant. This variant has not been reported in individuals affected with PRKAG2-related disorders in the literature. This variant has not been identified in the general population by the Genome Aggregation Database (gnomAD). The available evidence is insufficient to determine the role of this variant in disease conclusively. Therefore, this variant is classified as a Variant of Uncertain Significance.